The following is an entry in ClinVar:

NC_000023.10:g.(?_53430478)_(53432101_?)del

Gene: SMC1A (structural maintenance of chromosomes 1A; minus strand). Cytogenetic location: Xp11.22.
Variant type: Deletion.
Identifiers: ClinVar variation 655221 (VCV000655221.5).

ClinVar aggregate classification (germline): Pathogenic (1 of 4 stars; one submission).

Conditions:
Congenital muscular hypertrophy-cerebral syndrome (CDLS2). Also called: SMC1A-Related Cornelia de Lange Syndrome; Cornelia de Lange syndrome 2. Identifiers: Orphanet 199, MedGen C1802395, MONDO:0010370, OMIM 300590.

Submission:

Labcorp Genetics (formerly Invitae), Labcorp
Classification: Pathogenic for Congenital muscular hypertrophy-cerebral syndrome. Last evaluated: 2020-03-05. Review status: criteria provided, single submitter. Criteria: Invitae Variant Classification Sherloc (09022015). Collection method: clinical testing. Allele origin: germline.
Comment: For these reasons, this variant has been classified as Pathogenic. Loss-of-function variants in SMC1A are known to be pathogenic (PMID: 26386245, 27334371, 28166369, 28548707). This variant has not been reported in the literature in individuals with a SMC1A-related disease. This variant is an out-of-frame deletion of the genomic region encompassing exons 13-15 of the SMC1A gene. This is expected to create a premature translational stop signal and result in an absent or disrupted protein product.

Literature cited by the submitters: PubMed 26386245; PubMed 27334371; PubMed 28166369; PubMed 28548707.